The following is an entry in ClinVar:

NM_194318.4(B3GLCT):c.*2188T>A

Gene: B3GLCT (beta 3-glucosyltransferase; plus strand). Cytogenetic location: 13q12.3.
Variant type: single nucleotide variant.
Coding change: c.*2188T>A on transcript NM_194318.4 (MANE Select); 2188 bases downstream of the stop codon, T replaced by A.
Molecular consequence: 3 prime UTR variant.
Genome position (GRCh38, 1-based): chr13:31,331,856, T>A. VCF-style: chr13-31331856-T-A. GRCh37 (hg19) VCF-style: chr13-31905993-T-A.
Identifiers: ClinVar variation 880657 (VCV000880657.4), dbSNP rs60022887, ClinGen allele CA247893198.

ClinVar aggregate classification (germline): Benign (1 of 4 stars; one submission).

Conditions:
Peters plus syndrome. Also called: KRAUSE-KIVLIN SYNDROME. Identifiers: Orphanet 709, MedGen C0796012, MONDO:0009856, OMIM 261540.

Allele frequency attached by ClinVar (database versions not stated): gnomAD 0.00597 and 0.00634; TOPMed 0.00670; 1000 Genomes Project 0.00919; 1000 Genomes Project 30x 0.01109.
gnomAD v4.1: 901 of 152,344 alleles (0.59%); highest among the groups gnomAD compares: African/African-American, 2.1%; 11 homozygotes.

Submission:

Illumina Laboratory Services, Illumina
Classification: Benign for Peters plus syndrome. Last evaluated: 2018-01-13. Review status: criteria provided, single submitter. Criteria: ICSL Variant Classification Criteria 13 December 2019. Collection method: clinical testing. Allele origin: germline.
Comment: This variant was observed in the ICSL laboratory as part of a predisposition screen in an ostensibly healthy population. It had not been previously curated by ICSL or reported in the Human Gene Mutation Database (HGMD: prior to June 1st, 2018), and was therefore a candidate for classification through an automated scoring system. Utilizing variant allele frequency, disease prevalence and penetrance estimates, and inheritance mode, an automated score was calculated to assess if this variant is too frequent to cause the disease. Based on the score and internal cut-off values, a variant classified as benign is not then subjected to further curation. The score for this variant resulted in a classification of benign for this disease.